The following is an entry in ClinVar:

ClinVar aggregate classification (germline): Uncertain significance (1 of 4 stars; one submission).

Submission:

GeneDx
Classification: Uncertain significance. Last evaluated: 2022-04-20. Review status: criteria provided, single submitter. Criteria: GeneDx Variant Classification Process June 2021. Collection method: clinical testing. Allele origin: germline. Affected: yes.
Comment: Not observed at significant frequency in large population cohorts (gnomAD); Missense variants in this gene are often considered pathogenic (HGMD); In silico analysis supports that this missense variant has a deleterious effect on protein structure/function; Has not been previously published as pathogenic or benign to our knowledge; This substitution is predicted to be within the extracellular loop between the S3 and S4 transmembrane segments of the third homologous domain

NM_001330260.2(SCN8A):c.3860C>T (p.Ser1287Leu)

Gene: SCN8A (sodium voltage-gated channel alpha subunit 8; plus strand). Cytogenetic location: 12q13.13.
Variant type: single nucleotide variant.
Coding change: c.3860C>T on transcript NM_001330260.2 (MANE Select); coding-DNA position 3860, C replaced by T.
Protein change: p.Ser1287Leu; replaces serine 1287 with leucine.
Molecular consequence: missense variant. On other transcripts: intron variant (2).
Genome position (GRCh38, 1-based): chr12:51,780,689, C>T. VCF-style: chr12-51780689-C-T. GRCh37 (hg19) VCF-style: chr12-52174473-C-T.
Other names: c.3860C>T, p.Ser1287Leu (NM_014191.4); c.3820-5853C>T (NM_001177984.3, NM_001369788.1); short protein forms S1287L.
Identifiers: ClinVar variation 1722994 (VCV001722994.2), dbSNP rs1555227565, ClinGen allele CA384901103.